The following is an entry in ClinVar:

ClinVar aggregate classification (germline): Pathogenic (1 of 4 stars; one submission).

Conditions:
Usher syndrome type 1C. Also called: USHER SYNDROME, TYPE I, ACADIAN VARIETY. Identifiers: Orphanet 231169, Orphanet 886, MedGen C1848604, MONDO:0010171, OMIM 276904.

Submission:

Myriad Genetics, Inc.
Classification: Pathogenic for Usher syndrome type 1C. Last evaluated: 2023-08-07. Review status: criteria provided, single submitter. Criteria: Myriad Autosomal Dominant, Autosomal Recessive and X-Linked Classification Criteria (2023). Collection method: clinical testing. Allele origin: unknown.
Comment: NM_005709.3(USH1C):c.605delC(P202Lfs*16) is expected to be pathogenic in the context of USH1C-related disorders. This variant is predicted to lead to an abnormal or absent protein product due to the creation of a premature termination codon in USH1C, a gene where loss-of-function variants are known to be pathogenic. Please note: this variant was assessed in the context of healthy population screening.

NM_153676.4(USH1C):c.605del (p.Pro202fs)

Gene: USH1C (USH1 protein network component harmonin; minus strand). Cytogenetic location: 11p15.1.
Variant type: Deletion.
Coding change: c.605del on transcript NM_153676.4 (MANE Select); coding-DNA position 605, one base deleted (C; older notation c.605delC).
Protein change: p.Pro202fs; shifts the reading frame from proline 202.
Molecular consequence: frameshift variant. On other transcripts: non-coding transcript variant (1).
Genome position (GRCh38, 1-based): chr11:17,526,416, G deleted on the plus strand (C on the coding strand, the reverse complement: USH1C is on the minus strand); the first of 4 consecutive G bases (chr11:17,526,416-17,526,419); deleting any one gives the same sequence. VCF-style (leftmost placement, unchanged base first): chr11-17526415-AG-A. GRCh37 (hg19) VCF-style: chr11-17547962-AG-A.
Other names: c.605del, p.Pro202fs (NM_001297764.2, NM_001440680.1, NM_001440681.1 and 5 more transcripts); c.638del, p.Pro213fs (NM_001440679.1, NM_001440684.1, NM_001440686.1); short protein forms P202fs, P213fs.
Identifiers: ClinVar variation 5011257 (VCV005011257.1).